The following is an entry in ClinVar:

ClinVar aggregate classification (germline): Uncertain significance. Review status: criteria provided, multiple submitters, no conflicts (2 of 4 stars). 3 submissions from 3 submitters: Uncertain significance (3). Last evaluated 2025-07-09.

Conditions:
Inborn genetic diseases. Identifiers: MedGen C0950123, MeSH D030342.

Allele frequency attached by ClinVar (database versions not stated): ExAC 0.00003; gnomAD 0.00003; TOPMed 0.00005.
gnomAD v4.1: 60 of 1,613,522 alleles (0.0037%); highest among the groups gnomAD compares: African/African-American, 0.011%; no homozygotes.

Submissions (3):

Women's Health and Genetics/Laboratory Corporation of America, LabCorp
Classification: Uncertain significance. Last evaluated: 2025-07-09. Review status: criteria provided, single submitter. Criteria: LabCorp Variant Classification Summary - May 2015. Collection method: clinical testing. Allele origin: germline.
Comment: Variant summary: ANO6 c.827G>A (p.Arg276Gln) results in a conservative amino acid change in the encoded protein sequence. Algorithms developed to predict the effect of missense changes on protein structure and function all suggest that this variant is likely to be tolerated. The variant allele was found at a frequency of 4e-05 in 251094 control chromosomes. This frequency is not significantly higher than estimated for a pathogenic variant in ANO6 causing Scott Syndrome, allowing no conclusion about variant significance. To our knowledge, no occurrence of c.827G>A in individuals affected with Scott Syndrome and no experimental evidence demonstrating its impact on protein function have been reported. ClinVar contains an entry for this variant (Variation ID: 3003368). Based on the evidence outlined above, the variant was classified as uncertain significance.

Ambry Genetics
Classification: Uncertain significance for Inborn genetic diseases. Last evaluated: 2025-04-01. Review status: criteria provided, single submitter. Criteria: Ambry Variant Classification Scheme 2023. Collection method: clinical testing. Allele origin: germline.

Labcorp Genetics (formerly Invitae), Labcorp
Classification: Uncertain significance. Last evaluated: 2023-08-11. Review status: criteria provided, single submitter. Criteria: Invitae Variant Classification Sherloc (09022015). Collection method: clinical testing. Allele origin: germline.
Comment: This sequence change replaces arginine, which is basic and polar, with glutamine, which is neutral and polar, at codon 276 of the ANO6 protein (p.Arg276Gln). This variant has not been reported in the literature in individuals affected with ANO6-related conditions. This variant is present in population databases (rs772758085, gnomAD 0.02%). Advanced modeling of protein sequence and biophysical properties (such as structural, functional, and spatial information, amino acid conservation, physicochemical variation, residue mobility, and thermodynamic stability) has been performed at Invitae for this missense variant, however the output from this modeling did not meet the statistical confidence thresholds required to predict the impact of this variant on ANO6 protein function. In summary, the available evidence is currently insufficient to determine the role of this variant in disease. Therefore, it has been classified as a Variant of Uncertain Significance.

NM_001025356.3(ANO6):c.827G>A (p.Arg276Gln)

Gene: ANO6 (anoctamin 6; plus strand). Cytogenetic location: 12q12.
Variant type: single nucleotide variant.
Coding change: c.827G>A on transcript NM_001025356.3 (MANE Select); coding-DNA position 827, G replaced by A.
Protein change: p.Arg276Gln; replaces arginine 276 with glutamine.
Molecular consequence: missense variant.
Genome position (GRCh38, 1-based): chr12:45,350,738, G>A. VCF-style: chr12-45350738-G-A. GRCh37 (hg19) VCF-style: chr12-45744521-G-A.
Other names: c.827G>A (NM_001025356.2); c.773G>A, p.Arg258Gln (NM_001142678.2); c.827G>A, p.Arg276Gln (NM_001142679.2); c.890G>A, p.Arg297Gln (NM_001204803.2); c.794G>A, p.Arg265Gln (NM_001410973.1); short protein forms R265Q, R297Q, R258Q, R276Q.
Identifiers: ClinVar variation 3003368 (VCV003003368.5), dbSNP rs772758085, ClinGen allele CA6525101.